The following is an entry in ClinVar:

ClinVar aggregate classification (germline): Uncertain significance (1 of 4 stars; one submission).

Conditions:
Schuurs-Hoeijmakers syndrome. Also called: PACS1-Related Neurodevelopmental Disorder. Identifiers: Orphanet 329224, MedGen C3554343, MONDO:0014006, OMIM 615009.

gnomAD v4.1: 1 of 1,614,188 alleles (0.000062%); highest among the groups gnomAD compares: Non-Finnish European, 0.000085%; no homozygotes.

Submission:

Labcorp Genetics (formerly Invitae), Labcorp
Classification: Uncertain significance for Schuurs-Hoeijmakers syndrome. Last evaluated: 2025-04-06. Review status: criteria provided, single submitter. Criteria: Invitae Variant Classification Sherloc (09022015). Collection method: clinical testing. Allele origin: germline.
Comment: This sequence change replaces glutamic acid, which is acidic and polar, with aspartic acid, which is acidic and polar, at codon 283 of the PACS1 protein (p.Glu283Asp). This variant is not present in population databases (gnomAD no frequency). This variant has not been reported in the literature in individuals affected with PACS1-related conditions. Invitae Evidence Modeling of protein sequence and biophysical properties (such as structural, functional, and spatial information, amino acid conservation, physicochemical variation, residue mobility, and thermodynamic stability) indicates that this missense variant is not expected to disrupt PACS1 protein function with a negative predictive value of 80%. In summary, the available evidence is currently insufficient to determine the role of this variant in disease. Therefore, it has been classified as a Variant of Uncertain Significance.

NM_018026.4(PACS1):c.849G>C (p.Glu283Asp)

Gene: PACS1 (phosphofurin acidic cluster sorting protein 1; plus strand). Cytogenetic location: 11q13.2.
Variant type: single nucleotide variant.
Coding change: c.849G>C on transcript NM_018026.4 (MANE Select); coding-DNA position 849, G replaced by C.
Protein change: p.Glu283Asp; replaces glutamic acid 283 with aspartic acid.
Molecular consequence: missense variant.
Genome position (GRCh38, 1-based): chr11:66,216,563, G>C. VCF-style: chr11-66216563-G-C. GRCh37 (hg19) VCF-style: chr11-65984034-G-C.
Other names: short protein forms E283D.
Identifiers: ClinVar variation 4768794 (VCV004768794.1).